The following is an entry in ClinVar:

NM_005559.4(LAMA1):c.4946_4947del (p.Arg1649fs)

Gene: LAMA1 (laminin subunit alpha 1; minus strand). Cytogenetic location: 18p11.31.
Variant type: Microsatellite.
Coding change: c.4946_4947del on transcript NM_005559.4 (MANE Select); coding-DNA positions 4946 to 4947, 2 bases deleted (GA; older notation c.4946_4947delGA).
Protein change: p.Arg1649fs; shifts the reading frame from arginine 1649.
Molecular consequence: frameshift variant.
Genome position (GRCh38, 1-based): chr18:6,993,702-6,993,703, TC deleted on the plus strand (GA on the coding strand, the reverse complement: LAMA1 is on the minus strand); deleting any 2 consecutive bases within chr18:6,993,702-6,993,707 gives the same sequence; the c. name uses the placement nearest the transcript's 3' end. VCF-style (leftmost placement, unchanged base first): chr18-6993701-TTC-T. GRCh37 (hg19) VCF-style: chr18-6993700-TTC-T.
Other names: short protein forms R1649fs.
Identifiers: ClinVar variation 5005907 (VCV005005907.2).

ClinVar aggregate classification (germline): Likely pathogenic (1 of 4 stars; one submission).

Conditions:
Ataxia - intellectual disability - oculomotor apraxia - cerebellar cysts syndrome. Also called: Poretti-Boltshauser syndrome. Identifiers: Orphanet 370022, MedGen C4014821, MONDO:0014419, OMIM 615960.

Submission:

Juno Genomics, Hangzhou Juno Genomics, Inc
Classification: Likely pathogenic for Ataxia - intellectual disability - oculomotor apraxia - cerebellar cysts syndrome. Review status: criteria provided, single submitter. Criteria: ACMG Guidelines, 2015. Collection method: clinical testing. Allele origin: germline.
Comment: Null variant in a gene where loss of function (LOF) is a known mechanism of disease.;Absent from controls (or at extremely low frequency if recessive) in Genome Aggregation Database.